The following is an entry in ClinVar:

NM_005431.2(XRCC2):c.355T>C (p.Tyr119His)

Gene: XRCC2 (X-ray repair cross complementing 2; minus strand). Cytogenetic location: 7q36.1.
Variant type: single nucleotide variant.
Coding change: c.355T>C on transcript NM_005431.2 (MANE Select); coding-DNA position 355, T replaced by C.
Protein change: p.Tyr119His; replaces tyrosine 119 with histidine.
Molecular consequence: missense variant.
Genome position (GRCh38, 1-based): chr7:152,649,130, A>G on the plus strand (T>C on the coding strand, the complement: XRCC2 is on the minus strand). VCF-style: chr7-152649130-A-G. GRCh37 (hg19) VCF-style: chr7-152346215-A-G.
Other names: short protein forms Y119H.
Identifiers: ClinVar variation 1732694 (VCV001732694.2), dbSNP rs2485881494, ClinGen allele CA370198882.

ClinVar aggregate classification (germline): Uncertain significance (1 of 4 stars; one submission).

Conditions:
Hereditary cancer-predisposing syndrome. Also called: Neoplastic Syndromes, Hereditary; Tumor predisposition; Hereditary Cancer Syndrome; Hereditary neoplastic syndrome. Identifiers: Orphanet 140162, MedGen C0027672, MeSH D009386, MONDO:0015356.

Submission:

Ambry Genetics
Classification: Uncertain significance for Hereditary cancer-predisposing syndrome. Last evaluated: 2021-03-30. Review status: criteria provided, single submitter. Criteria: Ambry Variant Classification Scheme 2023. Collection method: clinical testing. Allele origin: germline.
Comment: The p.Y119H variant (also known as c.355T>C), located in coding exon 3 of the XRCC2 gene, results from a T to C substitution at nucleotide position 355. The tyrosine at codon 119 is replaced by histidine, an amino acid with similar properties. This amino acid position is not well conserved in available vertebrate species. In addition, this alteration is predicted to be tolerated by in silico analysis. Since supporting evidence is limited at this time, the clinical significance of this alteration remains unclear.